The following is an entry in ClinVar:

ClinVar aggregate classification (germline): Uncertain significance. Review status: criteria provided, single submitter (1 of 4 stars). 2 submissions from 2 submitters: Uncertain significance (1). 1 of the submissions does not count toward it. Last evaluated 2025-09-03.

Conditions:
Optic atrophy. Identifiers: MedGen C0029124, MONDO:0003608, HP:0000648.

Allele frequency attached by ClinVar (database versions not stated): TOPMed 0.00001; gnomAD 0.00002.

Submissions (2):

Labcorp Genetics (formerly Invitae), Labcorp
Classification: Uncertain significance. Last evaluated: 2025-09-03. Review status: criteria provided, single submitter. Criteria: Invitae Variant Classification Sherloc (09022015). Collection method: clinical testing. Allele origin: germline.
Comment: This sequence change replaces alanine, which is neutral and non-polar, with valine, which is neutral and non-polar, at codon 99 of the RGR protein (p.Ala99Val). This variant is present in population databases (rs773435796, gnomAD 0.007%). This variant has not been reported in the literature in individuals affected with RGR-related conditions. ClinVar contains an entry for this variant (Variation ID: 1511447). Experimental studies and prediction algorithms are not available or were not evaluated, and the functional significance of this variant is currently unknown. In summary, the available evidence is currently insufficient to determine the role of this variant in disease. Therefore, it has been classified as a Variant of Uncertain Significance.

Institute of Human Genetics, Univ. Regensburg, Univ. Regensburg
Classification: Uncertain significance for Optic atrophy. Last evaluated: 2022-01-01. Review status: no assertion criteria provided. Criteria: ACMG Guidelines, 2015. Collection method: clinical testing. Allele origin: germline. Affected: yes. Not counted in ClinVar's aggregate classification.

NM_001012720.2(RGR):c.296C>T (p.Ala99Val)

Gene: RGR (retinal G protein coupled receptor; plus strand). Cytogenetic location: 10q23.1.
Variant type: single nucleotide variant.
Coding change: c.296C>T on transcript NM_001012720.2 (MANE Select); coding-DNA position 296, C replaced by T.
Protein change: p.Ala99Val; replaces alanine 99 with valine.
Molecular consequence: missense variant.
Genome position (GRCh38, 1-based): chr10:84,248,981, C>T. VCF-style: chr10-84248981-C-T. GRCh37 (hg19) VCF-style: chr10-86008737-C-T.
Other names: c.296C>T, p.Ala99Val (NM_001012722.2); c.308C>T, p.Ala103Val (NM_002921.4); short protein forms A103V, A99V.
Identifiers: ClinVar variation 1511447 (VCV001511447.7), dbSNP rs773435796, ClinGen allele CA210401153.